The following is an entry in ClinVar:

ClinVar aggregate classification (germline): Uncertain significance. Review status: criteria provided, multiple submitters, no conflicts (2 of 4 stars). 2 submissions from 2 submitters: Uncertain significance (2). Last evaluated 2025-09-07.

Conditions:
Congenital primary aphakia. Also called: ANTERIOR SEGMENT DYSGENESIS 2; Anterior segment dysgenesis 2, multiple subtypes. Identifiers: Orphanet 83461, MedGen C1853230, MONDO:0012456, OMIM 610256.
Anterior segment dysgenesis. Also called: Ocular anterior segment dysgenesis. Identifiers: Orphanet 88632, MedGen C1862839, MONDO:0019503, HP:0007700.
Cardiovascular phenotype. Identifiers: MedGen CN230736.

Allele frequency attached by ClinVar (database versions not stated): gnomAD exomes 0.00001.

Submissions (2):

Labcorp Genetics (formerly Invitae), Labcorp
Classification: Uncertain significance for Anterior segment dysgenesis; Congenital primary aphakia. Last evaluated: 2025-09-07. Review status: criteria provided, single submitter. Criteria: Invitae Variant Classification Sherloc (09022015). Collection method: clinical testing. Allele origin: germline.
Comment: This sequence change replaces alanine, which is neutral and non-polar, with proline, which is neutral and non-polar, at codon 18 of the FOXE3 protein (p.Ala18Pro). This variant is present in population databases (no rsID available, gnomAD 0.004%). This variant has not been reported in the literature in individuals affected with FOXE3-related conditions. ClinVar contains an entry for this variant (Variation ID: 856708). An algorithm developed to predict the effect of missense changes on protein structure and function (PolyPhen-2) suggests that this variant is likely to be tolerated. In summary, the available evidence is currently insufficient to determine the role of this variant in disease. Therefore, it has been classified as a Variant of Uncertain Significance.

Ambry Genetics
Classification: Uncertain significance for Cardiovascular phenotype. Last evaluated: 2023-08-26. Review status: criteria provided, single submitter. Criteria: Ambry Variant Classification Scheme 2023. Collection method: clinical testing. Allele origin: germline.
Comment: The p.A18P variant (also known as c.52G>C), located in coding exon 1 of the FOXE3 gene, results from a G to C substitution at nucleotide position 52. The alanine at codon 18 is replaced by proline, an amino acid with highly similar properties. This alteration has been reported in an exome cohort (Stranneheim H et al. Genome Med, 2021 Mar;13:40). This amino acid position is not well conserved in available vertebrate species. In addition, the in silico prediction for this alteration is inconclusive. Since supporting evidence is limited at this time, the clinical significance of this alteration remains unclear.

Literature cited by the submitters: PubMed 33726816 (cited by Ambry Genetics).

NM_012186.3(FOXE3):c.52G>C (p.Ala18Pro)

Genes: LINC01389 (long independently transcribed non-coding RNA 1389; minus strand), FOXE3 (forkhead box E3; plus strand). Cytogenetic location: 1p33.
Variant type: single nucleotide variant.
Coding change: c.52G>C on transcript NM_012186.3 (MANE Select); coding-DNA position 52, G replaced by C.
Protein change: p.Ala18Pro; replaces alanine 18 with proline.
Molecular consequence: missense variant.
Genome position (GRCh38, 1-based): chr1:47,416,367, G>C. VCF-style: chr1-47416367-G-C. GRCh37 (hg19) VCF-style: chr1-47882039-G-C.
Other names: short protein forms A18P.
Identifiers: ClinVar variation 856708 (VCV000856708.12), dbSNP rs1401137576, ClinGen allele CA340248941.